The following is an entry in ClinVar:

NM_005263.5(GFI1):c.689A>G (p.His230Arg)

Gene: GFI1 (growth factor independent 1 transcriptional repressor; minus strand). Cytogenetic location: 1p22.1.
Variant type: single nucleotide variant.
Coding change: c.689A>G on transcript NM_005263.5 (MANE Select); coding-DNA position 689, A replaced by G.
Protein change: p.His230Arg; replaces histidine 230 with arginine.
Molecular consequence: missense variant.
Genome position (GRCh38, 1-based): chr1:92,480,698, T>C on the plus strand (A>G on the coding strand, the complement: GFI1 is on the minus strand). VCF-style: chr1-92480698-T-C. GRCh37 (hg19) VCF-style: chr1-92946255-T-C.
Other names: c.689A>G, p.His230Arg (NM_001127215.3, NM_001127216.3); short protein forms H230R.
Identifiers: ClinVar variation 3853653 (VCV003853653.1).

ClinVar aggregate classification (germline): Uncertain significance (1 of 4 stars; one submission).

Submission:

Ambry Genetics
Classification: Uncertain significance. Last evaluated: 2024-12-15. Review status: criteria provided, single submitter. Criteria: Ambry Variant Classification Scheme 2023. Collection method: clinical testing. Allele origin: germline.
Comment: The p.H230R variant (also known as c.689A>G), located in coding exon 3 of the GFI1 gene, results from an A to G substitution at nucleotide position 689. The histidine at codon 230 is replaced by arginine, an amino acid with highly similar properties. This amino acid position is conserved. In addition, this alteration is predicted to be tolerated by in silico analysis. Based on the available evidence, the clinical significance of this variant remains unclear.